The following is an entry in ClinVar:

NM_015662.3(IFT172):c.4981G>C (p.Val1661Leu)

Genes: IFT172 (intraflagellar transport 172; minus strand), KRTCAP3 (keratinocyte associated protein 3; plus strand). Cytogenetic location: 2p23.3.
Variant type: single nucleotide variant.
Coding change: c.4981G>C on transcript NM_015662.3 (MANE Select); coding-DNA position 4981, G replaced by C.
Protein change: p.Val1661Leu; replaces valine 1661 with leucine.
Molecular consequence: missense variant. On other transcripts: intron variant (1).
Genome position (GRCh38, 1-based): chr2:27,445,383, C>G on the plus strand (G>C on the coding strand, the complement: IFT172 is on the minus strand). VCF-style: chr2-27445383-C-G. GRCh37 (hg19) VCF-style: chr2-27668250-C-G.
Other names: c.4915G>C, p.Val1639Leu (NM_001410739.1); c.*6-918C>G (NM_001168364.2); short protein forms V1639L, V1661L.
Identifiers: ClinVar variation 4995531 (VCV004995531.1).

ClinVar aggregate classification (germline): Uncertain significance (1 of 4 stars; one submission).

Conditions:
IFT172-related disorder. Also called: IFT172-related condition; IFT172-related disorders.

gnomAD v4.1: 1 of 1,612,736 alleles (0.000062%); highest among the groups gnomAD compares: Admixed American, 0.0017%; no homozygotes.

Submission:

PreventionGenetics, part of Exact Sciences
Classification: Uncertain significance for IFT172-related condition. Last evaluated: 2025-08-19. Review status: criteria provided, single submitter. Criteria: ACMG Guidelines, 2015. Collection method: clinical testing. Allele origin: germline.
Comment: The IFT172 c.4981G>C variant is predicted to result in the amino acid substitution p.Val1661Leu. To our knowledge, this variant has not been reported in the literature or in a large population database (gnomAD), indicating this variant is rare. At this time, the clinical significance of this variant is uncertain due to the absence of conclusive functional and genetic evidence.